The following is an entry in ClinVar:

NM_001330360.2(POLA1):c.4186A>G (p.Thr1396Ala)

Gene: POLA1 (DNA polymerase alpha 1, catalytic subunit; plus strand). Cytogenetic location: Xp21.3.
Variant type: single nucleotide variant.
Coding change: c.4186A>G on transcript NM_001330360.2 (MANE Select); coding-DNA position 4186, A replaced by G.
Protein change: p.Thr1396Ala; replaces threonine 1396 with alanine.
Molecular consequence: missense variant. On other transcripts: non-coding transcript variant (2).
Genome position (GRCh38, 1-based): chrX:24,930,474, A>G. VCF-style: chrX-24930474-A-G. GRCh37 (hg19) VCF-style: chrX-24948591-A-G.
Other names: c.4111A>G, p.Thr1371Ala (NM_001378303.1); c.4168A>G, p.Thr1390Ala (NM_016937.4); short protein forms T1371A, T1390A, T1396A.
Identifiers: ClinVar variation 2805172 (VCV002805172.3), dbSNP rs1391549421, ClinGen allele CA412608700.
Genomic context (GRCh38, chrX:24,930,474, plus strand): 5'-CCCAGTAGTAGTATTCATTTATTTTCTGTTATATTACAGTATTCTGACAAGTCCCTGTAC[A>G]CCCAGCTGTGCTTTTACCGGTACATTTTTGATGCGGAGTGTGCACTGGAGAAACTTACTA-3'
Protein context (NP_001317289.1, residues 1386-1406): QPEYSDKSLY[Thr1396Ala]QLCFYRYIFD

ClinVar aggregate classification (germline): Uncertain significance (1 of 4 stars; one submission).

Allele frequency attached by ClinVar (database versions not stated): gnomAD exomes below 0.00001.
gnomAD v4.1: 1 of 1,189,002 alleles (0.000084%); highest among the groups gnomAD compares: South Asian, 0.0018%; no homozygotes.

Submission:

Labcorp Genetics (formerly Invitae), Labcorp
Classification: Uncertain significance. Last evaluated: 2023-10-22. Review status: criteria provided, single submitter. Criteria: Invitae Variant Classification Sherloc (09022015). Collection method: clinical testing. Allele origin: germline.
Comment: This sequence change replaces threonine, which is neutral and polar, with alanine, which is neutral and non-polar, at codon 1390 of the POLA1 protein (p.Thr1390Ala). This variant is present in population databases (no rsID available, gnomAD 0.001%). This variant has not been reported in the literature in individuals affected with POLA1-related conditions. Advanced modeling of protein sequence and biophysical properties (such as structural, functional, and spatial information, amino acid conservation, physicochemical variation, residue mobility, and thermodynamic stability) performed at Invitae indicates that this missense variant is not expected to disrupt POLA1 protein function. In summary, the available evidence is currently insufficient to determine the role of this variant in disease. Therefore, it has been classified as a Variant of Uncertain Significance.